The following is an entry in ClinVar:

ClinVar aggregate classification (germline): Uncertain significance (1 of 4 stars; one submission).

Submission:

GeneDx
Classification: Uncertain significance. Last evaluated: 2024-03-14. Review status: criteria provided, single submitter. Criteria: GeneDx Variant Classification Process June 2021. Collection method: clinical testing. Allele origin: germline. Affected: yes.
Comment: Not observed at significant frequency in large population cohorts (gnomAD); In silico analysis supports that this missense variant does not alter protein structure/function; Has not been previously published as pathogenic or benign to our knowledge

NM_006421.5(ARFGEF1):c.3124A>G (p.Asn1042Asp)

Gene: ARFGEF1 (ARF guanine nucleotide exchange factor 1; minus strand). Cytogenetic location: 8q13.2.
Variant type: single nucleotide variant.
Coding change: c.3124A>G on transcript NM_006421.5 (MANE Select); coding-DNA position 3124, A replaced by G.
Protein change: p.Asn1042Asp; replaces asparagine 1042 with aspartic acid.
Molecular consequence: missense variant. On other transcripts: non-coding transcript variant (1).
Genome position (GRCh38, 1-based): chr8:67,238,749, T>C on the plus strand (A>G on the coding strand, the complement: ARFGEF1 is on the minus strand). VCF-style: chr8-67238749-T-C. GRCh37 (hg19) VCF-style: chr8-68150984-T-C.
Other names: c.3124A>G, p.Asn1042Asp (NM_001413184.1, NM_001413185.1, NM_001413186.1 and 6 more transcripts); c.2524A>G, p.Asn842Asp (NM_001413188.1, NM_001413193.1, NM_001413197.1); c.3118A>G, p.Asn1040Asp (NM_001413190.1); c.1699A>G, p.Asn567Asp (NM_001413196.1); short protein forms N1040D, N1042D, N567D, N842D.
Identifiers: ClinVar variation 3370661 (VCV003370661.1).
Genomic context (GRCh38, chr8:67,238,749, plus strand): 5'-TCATTTTATAAACCAAATTGCAAAGTTGAAAATAAAGTGCTTATACCTCATGCCATGAAT[T>C]TCCTAAATAATTTCCATCTGTATGAGCCACTGTGATAAGTGTTTTTATTGTGTCAATGTT-3'
Protein context (NP_006412.2, residues 1032-1052): VAHTDGNYLG[Asn1042Asp]SWHEILKCIS